The following is an entry in ClinVar:

ClinVar aggregate classification (germline): Uncertain significance (0 of 4 stars; one submission).

Conditions:
NCOA1-related disorder. Also called: NCOA1-related condition.

gnomAD v4.1: 2 of 1,614,212 alleles (0.00012%); highest among the groups gnomAD compares: Non-Finnish European, 0.00017%; no homozygotes.

Submission:

PreventionGenetics, part of Exact Sciences
Classification: Uncertain significance for NCOA1-related condition. Last evaluated: 2024-05-31. Review status: no assertion criteria provided. Collection method: clinical testing. Allele origin: germline.
Comment: The NCOA1 c.1275C>A variant is predicted to result in the amino acid substitution p.Asp425Glu. To our knowledge, this variant has not been reported in the literature or in a large population database, indicating this variant is rare. At this time, the clinical significance of this variant is uncertain due to the absence of conclusive functional and genetic evidence.

NM_003743.5(NCOA1):c.1275C>A (p.Asp425Glu)

Gene: NCOA1 (nuclear receptor coactivator 1; plus strand). Cytogenetic location: 2p23.3.
Variant type: single nucleotide variant.
Coding change: c.1275C>A on transcript NM_003743.5 (MANE Select); coding-DNA position 1275, C replaced by A.
Protein change: p.Asp425Glu; replaces aspartic acid 425 with glutamic acid.
Molecular consequence: missense variant.
Genome position (GRCh38, 1-based): chr2:24,706,745, C>A. VCF-style: chr2-24706745-C-A. GRCh37 (hg19) VCF-style: chr2-24929614-C-A.
Other names: c.1275C>A, p.Asp425Glu (NM_001362950.1, NM_001362952.1, NM_001362954.1 and 3 more transcripts); short protein forms D425E.
Identifiers: ClinVar variation 3354844 (VCV003354844.1).
Genomic context (GRCh38, chr2:24,706,745, plus strand): 5'-ATTGCCACCATCCAACAGCAACATGGTATCCACCAGAATAAACCGCCAGCAGAGCTCAGA[C>A]CTTCATAGCAGCAGTCATAGTAATTCTAGCAACAGCCAAGGAAGTTTCGGATGCTCACCC-3'
Protein context (NP_003734.3, residues 415-435): STRINRQQSS[Asp425Glu]LHSSSHSNSS